The following is an entry in ClinVar:

ClinVar aggregate classification (germline): Uncertain significance (1 of 4 stars; one submission).

Conditions:
Inborn genetic diseases. Identifiers: MedGen C0950123, MeSH D030342.

Submission:

Ambry Genetics
Classification: Uncertain significance for Inborn genetic diseases. Last evaluated: 2023-11-03. Review status: criteria provided, single submitter. Criteria: Ambry Variant Classification Scheme 2023. Collection method: clinical testing. Allele origin: germline.
Comment: The p.P407S variant (also known as c.1219C>T), located in coding exon 9 of the EPAS1 gene, results from a C to T substitution at nucleotide position 1219. The proline at codon 407 is replaced by serine, an amino acid with similar properties. This amino acid position is conserved. In addition, this alteration is predicted to be tolerated by in silico analysis. Since supporting evidence is limited at this time, the clinical significance of this alteration remains unclear.

NM_001430.5(EPAS1):c.1219C>T (p.Pro407Ser)

Gene: EPAS1 (endothelial PAS domain protein 1; plus strand). Cytogenetic location: 2p21.
Variant type: single nucleotide variant.
Coding change: c.1219C>T on transcript NM_001430.5 (MANE Select); coding-DNA position 1219, C replaced by T.
Protein change: p.Pro407Ser; replaces proline 407 with serine.
Molecular consequence: missense variant.
Genome position (GRCh38, 1-based): chr2:46,376,723, C>T. VCF-style: chr2-46376723-C-T. GRCh37 (hg19) VCF-style: chr2-46603862-C-T.
Other names: short protein forms P407S.
Identifiers: ClinVar variation 3221532 (VCV003221532.1), dbSNP rs547654664, ClinGen allele CA346703437.